The following is an entry in ClinVar:

NM_000540.3(RYR1):c.9006G>A (p.Leu3002=)

Gene: RYR1 (ryanodine receptor 1; plus strand). Cytogenetic location: 19q13.2.
Variant type: single nucleotide variant.
Coding change: c.9006G>A on transcript NM_000540.3 (MANE Select); coding-DNA position 9006, G replaced by A.
Protein change: p.Leu3002=; no amino-acid change (leucine 3002 retained).
Molecular consequence: synonymous variant.
Genome position (GRCh38, 1-based): chr19:38,510,665, G>A. VCF-style: chr19-38510665-G-A. GRCh37 (hg19) VCF-style: chr19-39001305-G-A.
Other names: c.9006G>A, p.Leu3002= (NM_001042723.2).
Identifiers: ClinVar variation 2761994 (VCV002761994.4), dbSNP rs1422726213, ClinGen allele CA507246198.
Genomic context (GRCh38, chr19:38,510,665, plus strand): 5'-CATAGGCTCTCCCCACCCCTCATTGGACCCTTTATCTCCCCCAACCCGTCTCCAGATCCT[G>A]CTCCCTTTGATCAACCAGTACTTCACCAACCACTGCCTCTATTTCTTGTCCACTCCGGCT-3'
Protein context (NP_000531.2, residues 2992-3012): EQEIKFFAKI[Leu3002=]LPLINQYFTN

ClinVar aggregate classification (germline): Likely benign. Review status: criteria provided, multiple submitters, no conflicts (2 of 4 stars). 2 submissions from 2 submitters: Likely benign (2). Last evaluated 2024-04-16.

Conditions:
Malignant hyperthermia, susceptibility to, 1 (MHS1). Also called: Malignant hyperthermia suceptibility 1; Anesthesia related hyperthermia; Malignant hyperpyrexia; Fulminating hyperpyrexia; Pharmacogenic myopathy; RYR1-Related Malignant Hyperthermia Susceptibility. Identifiers: Orphanet 423, MedGen C2930980, MONDO:0007783, OMIM 145600.
RYR1-related disorder. Also called: RYR1-related condition; RYR1-related disorders. Identifiers: MedGen CN239331.

Submissions (2):

All of Us Research Program, National Institutes of Health
Classification: Likely benign for Malignant hyperthermia, susceptibility to, 1. Last evaluated: 2024-04-16. Review status: criteria provided, single submitter. Criteria: ACMG Guidelines, 2015. Collection method: clinical testing. Allele origin: germline. Inheritance: Autosomal dominant inheritance. Observed: 1 variant allele, 1 heterozygote.
Comment: This study involves interpretation of variants in research participants for the purpose of population health screening. Participant phenotype was not available at the time of variant classification. Additional details can be found in publication PMID: 35346344, PMCID: PMC8962531

Labcorp Genetics (formerly Invitae), Labcorp
Classification: Likely benign for RYR1-related disorder. Last evaluated: 2023-09-20. Review status: criteria provided, single submitter. Criteria: Invitae Variant Classification Sherloc (09022015). Collection method: clinical testing. Allele origin: germline.